The following is an entry in ClinVar:

NM_002890.3(RASA1):c.2106A>C (p.Glu702Asp)

Genes: CCNH (cyclin H; minus strand), RASA1 (RAS p21 protein activator 1; plus strand). Cytogenetic location: 5q14.3.
Variant type: single nucleotide variant.
Coding change: c.2106A>C on transcript NM_002890.3 (MANE Select); coding-DNA position 2106, A replaced by C.
Protein change: p.Glu702Asp; replaces glutamic acid 702 with aspartic acid.
Molecular consequence: missense variant. On other transcripts: intron variant (1).
Genome position (GRCh38, 1-based): chr5:87,376,487, A>C. VCF-style: chr5-87376487-A-C. GRCh37 (hg19) VCF-style: chr5-86672304-A-C.
Other names: c.1575A>C, p.Glu525Asp (NM_022650.3); c.933+18557T>G (NM_001364075.2); short protein forms E702D, E525D.
Identifiers: ClinVar variation 2568114 (VCV002568114.2), dbSNP rs778610469, ClinGen allele CA360379023.
Genomic context (GRCh38, chr5:87,376,487, plus strand): 5'-AGGGCATGCCACAGATGAATGGTTTCTGCTCAGCTCCCATATACCATTAAAAGGTATTGA[A>C]CCAGGGTCCCTGCGTGTTCGAGCACGATACTCTATGGAAAAAATCATGCCAGAAGAAGAG-3'
Protein context (NP_002881.1, residues 692-712): LSSHIPLKGI[Glu702Asp]PGSLRVRARY

ClinVar aggregate classification (germline): Uncertain significance (1 of 4 stars; one submission).

Conditions:
Cardiovascular phenotype. Identifiers: MedGen CN230736.

Submission:

Ambry Genetics
Classification: Uncertain significance for Cardiovascular phenotype. Last evaluated: 2023-06-12. Review status: criteria provided, single submitter. Criteria: Ambry Variant Classification Scheme 2023. Collection method: clinical testing. Allele origin: germline.
Comment: The p.E702D variant (also known as c.2106A>C), located in coding exon 16 of the RASA1 gene, results from an A to C substitution at nucleotide position 2106. The glutamic acid at codon 702 is replaced by aspartic acid, an amino acid with highly similar properties. This amino acid position is conserved. In addition, the in silico prediction for this alteration is inconclusive. Since supporting evidence is limited at this time, the clinical significance of this alteration remains unclear.